The following is an entry in ClinVar:

NM_001853.4(COL9A3):c.1548G>A (p.Pro516=)

Genes: COL9A3 (collagen type IX alpha 3 chain; plus strand), LOC126863084 (MED14-independent group 3 enhancer GRCh37_chr20:61467141-61468340; plus strand). Cytogenetic location: 20q13.33.
Variant type: single nucleotide variant.
Coding change: c.1548G>A on transcript NM_001853.4 (MANE Select); coding-DNA position 1548, G replaced by A.
Protein change: p.Pro516=; no amino-acid change (proline 516 retained).
Molecular consequence: synonymous variant.
Genome position (GRCh38, 1-based): chr20:62,836,333, G>A. VCF-style: chr20-62836333-G-A. GRCh37 (hg19) VCF-style: chr20-61467685-G-A.
Identifiers: ClinVar variation 2787495 (VCV002787495.3), dbSNP rs541379689, ClinGen allele CA9950020.

ClinVar aggregate classification (germline): Uncertain significance (1 of 4 stars; one submission).

Allele frequency attached by ClinVar (database versions not stated): gnomAD exomes 0.00003; ExAC 0.00003; gnomAD 0.00003; 1000 Genomes Project 30x 0.00031; TOPMed 0.00001; 1000 Genomes Project 0.00020.
gnomAD v4.1: 45 of 1,613,760 alleles (0.0028%); highest among the groups gnomAD compares: South Asian, 0.0077%; no homozygotes.

Submission:

Labcorp Genetics (formerly Invitae), Labcorp
Classification: Uncertain significance. Last evaluated: 2025-08-31. Review status: criteria provided, single submitter. Criteria: Invitae Variant Classification Sherloc (09022015). Collection method: clinical testing. Allele origin: germline.
Comment: This sequence change affects codon 516 of the COL9A3 mRNA. It is a 'silent' change, meaning that it does not change the encoded amino acid sequence of the COL9A3 protein. This variant also falls at the last nucleotide of exon 28, which is part of the consensus splice site for this exon. This variant is present in population databases (rs541379689, gnomAD 0.007%). This variant has been observed in individual(s) with clinical features of COL9A3-related conditions (PMID: 39406934). ClinVar contains an entry for this variant (Variation ID: 2787495). Variants that disrupt the consensus splice site are a relatively common cause of aberrant splicing (PMID: 17576681, 9536098). Algorithms developed to predict the effect of sequence changes on RNA splicing suggest that this variant may disrupt the consensus splice site. In summary, the available evidence is currently insufficient to determine the role of this variant in disease. Therefore, it has been classified as a Variant of Uncertain Significance.

Literature cited by the submitters: PubMed 39406934; PubMed 17576681; PubMed 9536098.